The following is an entry in ClinVar:

ClinVar aggregate classification (germline): Uncertain significance (1 of 4 stars; one submission).

Conditions:
Progressive familial intrahepatic cholestasis type 3. Also called: MDR3 DEFICIENCY; Low Gamma-GT Familial Intrahepatic Cholestasis. Identifiers: Orphanet 79305, MedGen C1865643, MONDO:0011214, OMIM 602347.
Cholestasis, intrahepatic, of pregnancy, 3. Identifiers: Orphanet 69665, MedGen C3554241, MONDO:0013995, OMIM 614972.
Low phospholipid associated cholelithiasis (GBD1). Also called: Gallstone cholecystitis; Gallbladder disease 1. Identifiers: Orphanet 69663, MedGen C2609268, MONDO:0010939, OMIM 600803.

gnomAD v4.1: 7 of 1,606,386 alleles (0.00044%); highest among the groups gnomAD compares: East Asian, 0.013%; no homozygotes.

Submission:

Juno Genomics, Hangzhou Juno Genomics, Inc
Classification: Uncertain significance for Cholestasis, intrahepatic, of pregnancy, 3; Progressive familial intrahepatic cholestasis type 3; Low phospholipid associated cholelithiasis. Review status: criteria provided, single submitter. Criteria: ACMG Guidelines, 2015. Collection method: clinical testing. Allele origin: germline.
Comment: Absent from controls (or at extremely low frequency if recessive) in Genome Aggregation Database.;Missense variant in a gene that has a low rate of benign missense variation.

NM_000443.4(ABCB4):c.1040T>C (p.Val347Ala)

Gene: ABCB4 (ATP binding cassette subfamily B member 4; minus strand). Cytogenetic location: 7q21.12.
Variant type: single nucleotide variant.
Coding change: c.1040T>C on transcript NM_000443.4 (MANE Select); coding-DNA position 1040, T replaced by C.
Protein change: p.Val347Ala; replaces valine 347 with alanine.
Molecular consequence: missense variant.
Genome position (GRCh38, 1-based): chr7:87,444,941, A>G on the plus strand (T>C on the coding strand, the complement: ABCB4 is on the minus strand). VCF-style: chr7-87444941-A-G. GRCh37 (hg19) VCF-style: chr7-87074257-A-G.
Other names: c.1040T>C, p.Val347Ala (NM_018849.3, NM_018850.3); short protein forms V347A.
Identifiers: ClinVar variation 5007233 (VCV005007233.2).
Genomic context (GRCh38, chr7:87,444,941, plus strand): 5'-ATCACATATGCTGCTCCTCTTGCATTGGCAAAAGCATCAATACATGGGGCAGCCTGGCCA[A>G]CACTGAAAGCTCCAATTAGGATTGAAAAAAAAACCTGAGCAAAATAACATGAGGAAAAGT-3'
Protein context (NP_000434.1, residues 337-357): FFSILIGAFS[Val347Ala]GQAAPCIDAF